The following is an entry in ClinVar:

NM_014989.7(RIMS1):c.4776G>C (p.Lys1592Asn)

Gene: RIMS1 (regulating synaptic membrane exocytosis 1; plus strand). Cytogenetic location: 6q13.
Variant type: single nucleotide variant.
Coding change: c.4776G>C on transcript NM_014989.7 (MANE Select); coding-DNA position 4776, G replaced by C.
Protein change: p.Lys1592Asn; replaces lysine 1592 with asparagine.
Molecular consequence: missense variant.
Genome position (GRCh38, 1-based): chr6:72,399,010, G>C. VCF-style: chr6-72399010-G-C. GRCh37 (hg19) VCF-style: chr6-73108712-G-C.
Other names: c.2736G>C, p.Lys912Asn (NM_001168407.2); c.2151G>C, p.Lys717Asn (NM_001168408.2, NM_001350430.2); c.1980G>C, p.Lys660Asn (NM_001168409.2); c.2178G>C, p.Lys726Asn (NM_001168410.2); c.357G>C, p.Lys119Asn (NM_001168411.2); c.2697G>C, p.Lys899Asn (NM_001350414.2); c.2793G>C, p.Lys931Asn (NM_001350415.2); c.2742G>C, p.Lys914Asn (NM_001350416.2); and 54 more; short protein forms K1592N, K689N, K693N, K694N, K710N, K766N, K801N, K809N.
Identifiers: ClinVar variation 1950840 (VCV001950840.5), dbSNP rs982572923, ClinGen allele CA141426834.

ClinVar aggregate classification (germline): Uncertain significance (1 of 4 stars; one submission).

Allele frequency attached by ClinVar (database versions not stated): gnomAD exomes below 0.00001.
gnomAD v4.1: 1 of 1,610,490 alleles (0.000062%); highest among the groups gnomAD compares: Admixed American, 0.0017%; no homozygotes.

Submission:

Labcorp Genetics (formerly Invitae), Labcorp
Classification: Uncertain significance. Last evaluated: 2022-02-03. Review status: criteria provided, single submitter. Criteria: Invitae Variant Classification Sherloc (09022015). Collection method: clinical testing. Allele origin: germline.
Comment: In summary, the available evidence is currently insufficient to determine the role of this variant in disease. Therefore, it has been classified as a Variant of Uncertain Significance. Algorithms developed to predict the effect of missense changes on protein structure and function are either unavailable or do not agree on the potential impact of this missense change (SIFT: "Deleterious"; PolyPhen-2: "Probably Damaging"; Align-GVGD: "Class C0"). This variant has not been reported in the literature in individuals affected with RIMS1-related conditions. This variant is present in population databases (no rsID available, gnomAD 0.003%). This sequence change replaces lysine, which is basic and polar, with asparagine, which is neutral and polar, at codon 1592 of the RIMS1 protein (p.Lys1592Asn).